The following is an entry in ClinVar:

NM_006949.4(STXBP2):c.106C>T (p.Pro36Ser)

Gene: STXBP2 (syntaxin binding protein 2; plus strand). Cytogenetic location: 19p13.2.
Variant type: single nucleotide variant.
Coding change: c.106C>T on transcript NM_006949.4 (MANE Select); coding-DNA position 106, C replaced by T.
Protein change: p.Pro36Ser; replaces proline 36 with serine.
Molecular consequence: missense variant. On other transcripts: non-coding transcript variant (1).
Genome position (GRCh38, 1-based): chr19:7,639,037, C>T. VCF-style: chr19-7639037-C-T. GRCh37 (hg19) VCF-style: chr19-7703923-C-T.
Other names: c.106C>T, p.Pro36Ser (NM_001127396.3, NM_001272034.2); short protein forms P36S.
Identifiers: ClinVar variation 1436306 (VCV001436306.9), dbSNP rs773397741, ClinGen allele CA9143133.
Genomic context (GRCh38, chr19:7,639,037, plus strand): 5'-TTCCGCCTGCTCCTCCATCCATCTGTCCATCCATCTGGACAGGTGCTTATCATGGATCAC[C>T]CAAGCATGCGCATCTTGTCTTCCTGCTGCAAAATGTCAGATATCCTGGCTGAGGGCATCA-3'
Protein context (NP_008880.2, residues 26-46): GEWKVLIMDH[Pro36Ser]SMRILSSCCK

ClinVar aggregate classification (germline): Uncertain significance (1 of 4 stars; one submission).

Conditions:
Familial hemophagocytic lymphohistiocytosis 5. Also called: STXBP2-Related Familial Hemophagocytic Lymphohistiocytosis (STXBP2-fHLH). Identifiers: Orphanet 540, MedGen C2751293, MONDO:0013135, OMIM 613101.

Allele frequency attached by ClinVar (database versions not stated): gnomAD exomes below 0.00001; ExAC 0.00001; gnomAD 0.00001.
gnomAD v4.1: 2 of 1,614,104 alleles (0.00012%); highest among the groups gnomAD compares: Non-Finnish European, 0.00017%; no homozygotes.

Submission:

Labcorp Genetics (formerly Invitae), Labcorp
Classification: Uncertain significance for Familial hemophagocytic lymphohistiocytosis 5. Last evaluated: 2022-07-11. Review status: criteria provided, single submitter. Criteria: Invitae Variant Classification Sherloc (09022015). Collection method: clinical testing. Allele origin: germline.
Comment: This sequence change replaces proline, which is neutral and non-polar, with serine, which is neutral and polar, at codon 36 of the STXBP2 protein (p.Pro36Ser). This variant is present in population databases (rs773397741, gnomAD 0.0009%). This variant has not been reported in the literature in individuals affected with STXBP2-related conditions. ClinVar contains an entry for this variant (Variation ID: 1436306). Algorithms developed to predict the effect of missense changes on protein structure and function (SIFT, PolyPhen-2, Align-GVGD) all suggest that this variant is likely to be tolerated. In summary, the available evidence is currently insufficient to determine the role of this variant in disease. Therefore, it has been classified as a Variant of Uncertain Significance.